The following is an entry in ClinVar:

ClinVar aggregate classification (germline): Uncertain significance (1 of 4 stars; one submission).

Submission:

Labcorp Genetics (formerly Invitae), Labcorp
Classification: Uncertain significance. Last evaluated: 2025-04-14. Review status: criteria provided, single submitter. Criteria: Invitae Variant Classification Sherloc (09022015). Collection method: clinical testing. Allele origin: germline.
Comment: This sequence change replaces lysine, which is basic and polar, with glutamine, which is neutral and polar, at codon 1277 of the POLE protein (p.Lys1277Gln). This variant is not present in population databases (gnomAD no frequency). This variant has not been reported in the literature in individuals affected with POLE-related conditions. ClinVar contains an entry for this variant (Variation ID: 2836000). Invitae Evidence Modeling of protein sequence and biophysical properties (such as structural, functional, and spatial information, amino acid conservation, physicochemical variation, residue mobility, and thermodynamic stability) indicates that this missense variant is not expected to disrupt POLE protein function with a negative predictive value of 80%. In summary, the available evidence is currently insufficient to determine the role of this variant in disease. Therefore, it has been classified as a Variant of Uncertain Significance.

NM_006231.4(POLE):c.3829A>C (p.Lys1277Gln)

Gene: POLE (DNA polymerase epsilon, catalytic subunit; minus strand). Cytogenetic location: 12q24.33.
Variant type: single nucleotide variant.
Coding change: c.3829A>C on transcript NM_006231.4 (MANE Select); coding-DNA position 3829, A replaced by C.
Protein change: p.Lys1277Gln; replaces lysine 1277 with glutamine.
Molecular consequence: missense variant.
Genome position (GRCh38, 1-based): chr12:132,649,482, T>G on the plus strand (A>C on the coding strand, the complement: POLE is on the minus strand). VCF-style: chr12-132649482-T-G. GRCh37 (hg19) VCF-style: chr12-133226068-T-G.
Other names: short protein forms K1277Q.
Identifiers: ClinVar variation 2836000 (VCV002836000.3), dbSNP rs2138609700, ClinGen allele CA387385551.